The following is an entry in ClinVar:

NM_006648.4(WNK2):c.2045C>T (p.Pro682Leu)

Gene: WNK2 (WNK lysine deficient protein kinase 2; plus strand). Cytogenetic location: 9q22.31.
Variant type: single nucleotide variant.
Coding change: c.2045C>T on transcript NM_006648.4 (MANE Select); coding-DNA position 2045, C replaced by T.
Protein change: p.Pro682Leu; replaces proline 682 with leucine.
Molecular consequence: missense variant.
Genome position (GRCh38, 1-based): chr9:93,256,309, C>T. VCF-style: chr9-93256309-C-T. GRCh37 (hg19) VCF-style: chr9-96018591-C-T.
Other names: c.2045C>T, p.Pro682Leu (NM_001282394.3); short protein forms P682L.
Identifiers: ClinVar variation 3470736 (VCV003470736.2).

ClinVar aggregate classification (germline): Uncertain significance (1 of 4 stars; one submission).

gnomAD v4.1: 6 of 1,565,144 alleles (0.00038%); highest among the groups gnomAD compares: South Asian, 0.0023%; no homozygotes.

Submission:

Ambry Genetics
Classification: Uncertain significance. Last evaluated: 2024-12-29. Review status: criteria provided, single submitter. Criteria: Ambry Variant Classification Scheme 2023. Collection method: clinical testing. Allele origin: germline.
Comment: The p.P682L variant (also known as c.2045C>T), located in coding exon 9 of the WNK2 gene, results from a C to T substitution at nucleotide position 2045. The proline at codon 682 is replaced by leucine, an amino acid with similar properties. This amino acid position is conserved. In addition, this alteration is predicted to be tolerated by in silico analysis. Based on the available evidence, the clinical significance of this variant remains unclear.